The following is an entry in ClinVar:

ClinVar aggregate classification (germline): Uncertain significance. Review status: criteria provided, multiple submitters, no conflicts (2 of 4 stars). 2 submissions from 2 submitters: Uncertain significance (2). Last evaluated 2024-09-17.

Conditions:
Tuberous sclerosis 2 (TSC2). Identifiers: Orphanet 805, MedGen C1860707, MONDO:0013199, OMIM 613254.
Hereditary cancer-predisposing syndrome. Also called: Hereditary neoplastic syndrome; Neoplastic Syndromes, Hereditary; Hereditary Cancer Syndrome; Tumor predisposition. Identifiers: Orphanet 140162, MedGen C0027672, MeSH D009386, MONDO:0015356.

Allele frequency attached by ClinVar (database versions not stated): gnomAD exomes below 0.00001; TOPMed below 0.00001.
gnomAD v4.1: 1 of 1,612,908 alleles (0.000062%); highest among the groups gnomAD compares: East Asian, 0.0022%; no homozygotes.

Submissions (2):

Labcorp Genetics (formerly Invitae), Labcorp
Classification: Uncertain significance for Tuberous sclerosis 2. Last evaluated: 2024-09-17. Review status: criteria provided, single submitter. Criteria: Invitae Variant Classification Sherloc (09022015). Collection method: clinical testing. Allele origin: germline.
Comment: This sequence change replaces isoleucine, which is neutral and non-polar, with threonine, which is neutral and polar, at codon 1741 of the TSC2 protein (p.Ile1741Thr). This variant is not present in population databases (gnomAD no frequency). This variant has not been reported in the literature in individuals affected with TSC2-related conditions. ClinVar contains an entry for this variant (Variation ID: 574623). Invitae Evidence Modeling of protein sequence and biophysical properties (such as structural, functional, and spatial information, amino acid conservation, physicochemical variation, residue mobility, and thermodynamic stability) indicates that this missense variant is not expected to disrupt TSC2 protein function with a negative predictive value of 95%. In summary, the available evidence is currently insufficient to determine the role of this variant in disease. Therefore, it has been classified as a Variant of Uncertain Significance.

Ambry Genetics
Classification: Uncertain significance for Hereditary cancer-predisposing syndrome. Last evaluated: 2022-03-06. Review status: criteria provided, single submitter. Criteria: Ambry Variant Classification Scheme 2023. Collection method: clinical testing. Allele origin: germline.
Comment: The p.I1741T variant (also known as c.5222T>C), located in coding exon 40 of the TSC2 gene, results from a T to C substitution at nucleotide position 5222. The isoleucine at codon 1741 is replaced by threonine, an amino acid with similar properties. This amino acid position is conserved. In addition, this alteration is predicted to be deleterious by in silico analysis. Since supporting evidence is limited at this time, the clinical significance of this alteration remains unclear.

NM_000548.5(TSC2):c.5222T>C (p.Ile1741Thr)

Gene: TSC2 (TSC complex subunit 2; plus strand). Cytogenetic location: 16p13.3.
Variant type: single nucleotide variant.
Coding change: c.5222T>C on transcript NM_000548.5 (MANE Select); coding-DNA position 5222, T replaced by C.
Protein change: p.Ile1741Thr; replaces isoleucine 1741 with threonine.
Molecular consequence: missense variant.
Genome position (GRCh38, 1-based): chr16:2,088,288, T>C. VCF-style: chr16-2088288-T-C. GRCh37 (hg19) VCF-style: chr16-2138289-T-C.
Other names: c.5021T>C, p.Ile1674Thr (NM_001077183.3); c.5153T>C, p.Ile1718Thr (NM_001114382.3); c.4913T>C, p.Ile1638Thr (NM_001318827.2); c.4877T>C, p.Ile1626Thr (NM_001318829.2); c.4490T>C, p.Ile1497Thr (NM_001318831.2); c.5054T>C, p.Ile1685Thr (NM_001318832.2); c.5024T>C, p.Ile1675Thr (NM_001363528.2); c.5090T>C, p.Ile1697Thr (NM_001370404.1); and 2 more; short protein forms I1741T, I1674T, I1675T, I1697T, I1698T, I1497T, I1718T, I1626T.
Identifiers: ClinVar variation 574623 (VCV000574623.11), dbSNP rs935521633, ClinGen allele CA276759496.